The following is an entry in ClinVar:

ClinVar aggregate classification (germline): Likely benign (1 of 4 stars; one submission).

Conditions:
Leigh syndrome (NULS). Also called: Leigh's necrotizing encephalopathy; Leigh's disease; Leigh Syndrome (mtDNA deletion); Leigh Disease; Subacute necrotizing encephalopathy; Necrotizing encephalopathy infantile subacute of Leigh. Identifiers: Orphanet 506, MedGen C2931891, MONDO:0009723, OMIM 256000.

Submission:

Wong Mito Lab, Molecular and Human Genetics, Baylor College of Medicine
Classification: Likely benign for Leigh syndrome. Last evaluated: 2019-10-17. Review status: criteria provided, single submitter. Criteria: Modified ACMG Guidelines (Unpublished). Collection method: clinical testing. Allele origin: germline.
Comment: The NC_012920.1:m.11957A>G (YP_003024035.1:p.Met400Val) variant in MTND4 gene is interpretated to be a Likely Benign variant based on the modified ACMG guidelines (unpublished). This variant meets the following evidence codes: BS4, BP4

NC_012920.1(MT-ND4):m.11957A>G

Gene: MT-ND4 (mitochondrially encoded NADH dehydrogenase 4; plus strand).
Variant type: single nucleotide variant.
Genome position: chrM-11957-A-G.
Identifiers: ClinVar variation 693389 (VCV000693389.1), dbSNP rs1603223488, ClinGen allele CA414811845.
Genomic context (GRCh38, chrMT:11,957, plus strand): 5'-TCTGTGCTAGTAACCACGTTCTCCTGATCAAATATCACTCTCCTACTTACAGGACTCAAC[A>G]TACTAGTCACAGCCCTATACTCCCTCTACATATTTACCACAACACAATGGGGCTCACTCA-3'